The following is an entry in ClinVar:

ClinVar aggregate classification (germline): Uncertain significance (1 of 4 stars; one submission).

Allele frequency attached by ClinVar (database versions not stated): gnomAD exomes below 0.00001; TOPMed below 0.00001.
gnomAD v4.1: 6 of 1,610,758 alleles (0.00037%); highest among the groups gnomAD compares: Non-Finnish European, 0.00051%; no homozygotes.

Submission:

Labcorp Genetics (formerly Invitae), Labcorp
Classification: Uncertain significance. Last evaluated: 2023-05-15. Review status: criteria provided, single submitter. Criteria: Invitae Variant Classification Sherloc (09022015). Collection method: clinical testing. Allele origin: germline.
Comment: In summary, the available evidence is currently insufficient to determine the role of this variant in disease. Therefore, it has been classified as a Variant of Uncertain Significance. Advanced modeling of protein sequence and biophysical properties (such as structural, functional, and spatial information, amino acid conservation, physicochemical variation, residue mobility, and thermodynamic stability) performed at Invitae indicates that this missense variant is not expected to disrupt ABL1 protein function. This variant has not been reported in the literature in individuals affected with ABL1-related conditions. This variant is not present in population databases (gnomAD no frequency). This sequence change replaces lysine, which is basic and polar, with threonine, which is neutral and polar, at codon 915 of the ABL1 protein (p.Lys915Thr).

NM_005157.6(ABL1):c.2687A>C (p.Lys896Thr)

Gene: ABL1 (ABL proto-oncogene 1, non-receptor tyrosine kinase; plus strand). Cytogenetic location: 9q34.12.
Variant type: single nucleotide variant.
Coding change: c.2687A>C on transcript NM_005157.6 (MANE Select); coding-DNA position 2687, A replaced by C.
Protein change: p.Lys896Thr; replaces lysine 896 with threonine.
Molecular consequence: missense variant.
Genome position (GRCh38, 1-based): chr9:130,884,977, A>C. VCF-style: chr9-130884977-A-C. GRCh37 (hg19) VCF-style: chr9-133760364-A-C.
Other names: c.2744A>C, p.Lys915Thr (NM_007313.3); short protein forms K896T, K915T.
Identifiers: ClinVar variation 2864618 (VCV002864618.3), dbSNP rs1292166160, ClinGen allele CA375257991.